The following is an entry in ClinVar:

NM_001154.4(ANXA5):c.903+2T>C

Gene: ANXA5 (annexin A5; minus strand). Cytogenetic location: 4q27.
Variant type: single nucleotide variant.
Coding change: c.903+2T>C on transcript NM_001154.4 (MANE Select); the canonical splice donor site of the intron after coding-DNA position 903, T replaced by C.
Molecular consequence: splice donor variant.
Genome position (GRCh38, 1-based): chr4:121,669,600, A>G on the plus strand (T>C on the coding strand, the complement: ANXA5 is on the minus strand). VCF-style: chr4-121669600-A-G. GRCh37 (hg19) VCF-style: chr4-122590755-A-G.
Other names: NC_000004.11:g.122590755A>G.
Identifiers: ClinVar variation 4301876 (VCV004301876.3).

ClinVar aggregate classification (germline): Uncertain significance (1 of 4 stars; one submission).

Conditions:
Pregnancy loss, recurrent, susceptibility to, 3 (RPRGL3). Identifiers: MedGen C3280674, MONDO:0013729, OMIM 614391.

Submissions (2):

Juno Genomics, Hangzhou Juno Genomics, Inc
Classification: Uncertain significance for Pregnancy loss, recurrent, susceptibility to, 3. Review status: criteria provided, single submitter. Criteria: ACMG Guidelines, 2015. Collection method: clinical testing. Allele origin: germline.
Comment: Absent from controls (or at extremely low frequency if recessive) in Genome Aggregation Database.;Multiple lines of computational evidence support a deleterious effect on the gene or gene product.

Dr. Peter K. Rogan Lab, Western University
No classification provided (evidence only). Condition: Nonpapillary renal cell carcinoma. Review status: no classification provided. Collection method: in vitro. Allele origin: not applicable. Functional consequence: skipped exon. Not counted in ClinVar's aggregate classification.